The following is an entry in ClinVar:

ClinVar aggregate classification (germline): Uncertain significance (1 of 4 stars; one submission).

gnomAD v4.1: 26 of 1,613,594 alleles (0.0016%); highest among the groups gnomAD compares: East Asian, 0.058%; no homozygotes.

Submission:

GeneDx
Classification: Uncertain significance. Last evaluated: 2024-09-27. Review status: criteria provided, single submitter. Criteria: GeneDx Variant Classification Process June 2021. Collection method: clinical testing. Allele origin: germline. Affected: yes.
Comment: In silico analysis supports that this missense variant has a deleterious effect on protein structure/function; Has not been previously published as pathogenic or benign to our knowledge

NM_018006.5(TRMU):c.398T>C (p.Leu133Pro)

Gene: TRMU (tRNA mitochondrial 2-thiouridylase; plus strand). Cytogenetic location: 22q13.31.
Variant type: single nucleotide variant.
Coding change: c.398T>C on transcript NM_018006.5 (MANE Select); coding-DNA position 398, T replaced by C.
Protein change: p.Leu133Pro; replaces leucine 133 with proline.
Molecular consequence: missense variant. On other transcripts: non-coding transcript variant (2).
Genome position (GRCh38, 1-based): chr22:46,346,464, T>C. VCF-style: chr22-46346464-T-C. GRCh37 (hg19) VCF-style: chr22-46742361-T-C.
Other names: c.56T>C, p.Leu19Pro (NM_001282782.2); c.37T>C, p.Trp13Arg (NM_001282783.2, NM_001282784.2); c.398T>C, p.Leu133Pro (NM_001282785.2); short protein forms L133P, L19P, W13R.
Identifiers: ClinVar variation 3774785 (VCV003774785.1).